The following is an entry in ClinVar:

NM_000525.4(KCNJ11):c.1034C>T (p.Thr345Met)

Gene: KCNJ11 (potassium inwardly rectifying channel subfamily J member 11; minus strand). Cytogenetic location: 11p15.1.
Variant type: single nucleotide variant.
Coding change: c.1034C>T on transcript NM_000525.4 (MANE Select); coding-DNA position 1034, C replaced by T.
Protein change: p.Thr345Met; replaces threonine 345 with methionine.
Molecular consequence: missense variant.
Genome position (GRCh38, 1-based): chr11:17,387,058, G>A on the plus strand (C>T on the coding strand, the complement: KCNJ11 is on the minus strand). VCF-style: chr11-17387058-G-A. GRCh37 (hg19) VCF-style: chr11-17408605-G-A.
Other names: c.773C>T, p.Thr258Met (NM_001166290.2, NM_001377296.1, NM_001377297.1); short protein forms T345M, T258M.
Identifiers: ClinVar variation 303734 (VCV000303734.7), dbSNP rs114215135, ClinGen allele CA5902197.

ClinVar aggregate classification (germline): Conflicting classifications of pathogenicity. Review status: criteria provided, conflicting classifications (1 of 4 stars). 5 submissions from 3 submitters: Uncertain significance (3); Benign (1); Likely benign (1). Last evaluated 2024-02-09.

Conditions:
Maturity-onset diabetes of the young type 13. Also called: MODY, TYPE 13. Identifiers: Orphanet 552, MedGen C4225365, MONDO:0014589, OMIM 616329.
Maturity-onset diabetes of the young (MODY). Also called: Maturity onset diabetes mellitus in young. Identifiers: Orphanet 552, MedGen C0342276, MONDO:0018911, HP:0004904.
Diabetes mellitus, transient neonatal, 3 (TNDM3). Identifiers: Orphanet 99886, MedGen C1864623, MONDO:0012522, OMIM 610582. Disease mechanism: loss of function.
Hyperinsulinemic hypoglycemia, familial, 2. Also called: HYPERINSULINEMIC HYPOGLYCEMIA, PERSISTENT; HYPERINSULINISM, NEONATAL. Identifiers: Orphanet 276580, Orphanet 276603, MedGen C2931833, MONDO:0011153, OMIM 601820. Disease mechanism: loss of function.

Allele frequency attached by ClinVar (database versions not stated): TOPMed 0.00002; gnomAD 0.00003 and 0.00004; 1000 Genomes Project 30x 0.00031; 1000 Genomes Project 0.00040.

Submissions (5):

GeneDx
Classification: Uncertain significance. Last evaluated: 2024-02-09. Review status: criteria provided, single submitter. Criteria: GeneDx Variant Classification Process June 2021. Collection method: clinical testing. Allele origin: germline. Affected: yes.
Comment: Reported in association with MODY in published literature (PMID: 36573710); no patient clinical information provided; In silico analysis supports that this missense variant does not alter protein structure/function; This variant is associated with the following publications: (PMID: 36573710)

Illumina Laboratory Services, Illumina
Classification: Benign for Diabetes mellitus, transient neonatal, 3. Last evaluated: 2018-01-13. Review status: criteria provided, single submitter. Criteria: ICSL Variant Classification Criteria 13 December 2019. Collection method: clinical testing. Allele origin: germline.
Comment: This variant was observed in the ICSL laboratory as part of a predisposition screen in an ostensibly healthy population. It had not been previously curated by ICSL or reported in the Human Gene Mutation Database (HGMD: prior to June 1st, 2018), and was therefore a candidate for classification through an automated scoring system. Utilizing variant allele frequency, disease prevalence and penetrance estimates, and inheritance mode, an automated score was calculated to assess if this variant is too frequent to cause the disease. Based on the score and internal cut-off values, a variant classified as benign is not then subjected to further curation. The score for this variant resulted in a classification of benign for this disease.

Illumina Laboratory Services, Illumina
Classification: Uncertain significance for Hyperinsulinemic hypoglycemia, familial, 2. Last evaluated: 2018-01-13. Review status: criteria provided, single submitter. Criteria: ICSL Variant Classification Criteria 13 December 2019. Collection method: clinical testing. Allele origin: germline.

Illumina Laboratory Services, Illumina
Classification: Likely benign for Maturity-onset diabetes of the young type 13. Last evaluated: 2018-01-13. Review status: criteria provided, single submitter. Criteria: ICSL Variant Classification Criteria 13 December 2019. Collection method: clinical testing. Allele origin: germline.
Comment: This variant was observed in the ICSL laboratory as part of a predisposition screen in an ostensibly healthy population. It had not been previously curated by ICSL or reported in the Human Gene Mutation Database (HGMD: prior to June 1st, 2018), and was therefore a candidate for classification through an automated scoring system. Utilizing variant allele frequency, disease prevalence and penetrance estimates, and inheritance mode, an automated score was calculated to assess if this variant is too frequent to cause the disease. Based on the score and internal cut-off values, a variant classified as likely benign is not then subjected to further curation. The score for this variant resulted in a classification of likely benign for this disease.

Clinical Genomics, Uppaluri K&H Personalized Medicine Clinic
Classification: Uncertain significance for Maturity-onset diabetes of the young. Review status: criteria provided, single submitter. Criteria: K & H Uppaluri Personalized Medicine Clinic Variant Classification & Assertion Criteria_Updated V.1. Collection method: research. Allele origin: somatic. Inheritance: Autosomal dominant inheritance.
Comment: Mutations in KCNJ11 gene can cause decreased production and secretion of insulin. This can lead to MODY which may be responsive to oral sulfonylureas. It is also associated with Neonatal Diabetes. However, no sufficient evidence is found to ascertain role of this particular variant (rs114215135) in MODY yet.

Literature cited by the submitters: PubMed 26448950 (cited by Clinical Genomics, Uppaluri K&H Personalized Medicine Clinic); PubMed 15580558 (cited by Clinical Genomics, Uppaluri K&H Personalized Medicine Clinic); PubMed 15718250 (cited by Clinical Genomics, Uppaluri K&H Personalized Medicine Clinic); PubMed 32935446 (cited by Clinical Genomics, Uppaluri K&H Personalized Medicine Clinic); PubMed 22701567 (cited by Clinical Genomics, Uppaluri K&H Personalized Medicine Clinic).